The following is an entry in ClinVar:

ClinVar aggregate classification (germline): Uncertain significance. Review status: criteria provided, multiple submitters, no conflicts (2 of 4 stars). 2 submissions from 2 submitters: Uncertain significance (2). Last evaluated 2024-11-04.

Conditions:
Cardiovascular phenotype. Identifiers: MedGen CN230736.

Submissions (2):

Ambry Genetics
Classification: Uncertain significance for Cardiovascular phenotype. Last evaluated: 2024-11-04. Review status: criteria provided, single submitter. Criteria: Ambry Variant Classification Scheme 2023. Collection method: clinical testing. Allele origin: germline.
Comment: The c.3544dupG variant, located in coding exon 24 of the MYH6 gene, results from a duplication of G at nucleotide position 3544, causing a translational frameshift with a predicted alternate stop codon (p.E1182Gfs*51). This alteration is expected to result in protein truncation or nonsense-mediated mRNA decay. However, loss of function of MYH6 has not been established as a mechanism of disease. Based on the available evidence, the clinical significance of this alteration remains unclear.

GeneDx
Classification: Uncertain significance. Last evaluated: 2024-02-10. Review status: criteria provided, single submitter. Criteria: GeneDx Variant Classification Process June 2021. Collection method: clinical testing. Allele origin: germline. Affected: yes.
Comment: Frameshift variant predicted to result in protein truncation or nonsense mediated decay in a gene or region of a gene for which loss of function is not a well-established mechanism of disease; Not observed at significant frequency in large population cohorts (gnomAD); Has not been previously published as pathogenic or benign to our knowledge

NM_002471.4(MYH6):c.3544dup (p.Glu1182fs)

Gene: MYH6 (myosin heavy chain 6; minus strand). Cytogenetic location: 14q11.2.
Variant type: Duplication.
Coding change: c.3544dup on transcript NM_002471.4 (MANE Select); coding-DNA position 3544, one base duplicated (G; older notation c.3544dupG).
Protein change: p.Glu1182fs; shifts the reading frame from glutamic acid 1182.
Molecular consequence: frameshift variant.
Genome position (GRCh38, 1-based): chr14:23,390,245, C duplicated on the plus strand (G on the coding strand, the reverse complement: MYH6 is on the minus strand); the first of 2 consecutive C bases (chr14:23,390,245-23,390,246); duplicating either gives the same sequence. VCF-style (leftmost placement, unchanged base first): chr14-23390244-T-TC. GRCh37 (hg19) VCF-style: chr14-23859453-T-TC.
Other names: c.3544dup (NM_002471.3); c.3544dupG (NM_002471.3); short protein forms E1182fs.
Identifiers: ClinVar variation 3369132 (VCV003369132.2).